The following is an entry in ClinVar:

NM_201599.3(ZMYM3):c.635G>A (p.Gly212Asp)

Gene: ZMYM3 (zinc finger MYM-type containing 3; minus strand). Cytogenetic location: Xq13.1.
Variant type: single nucleotide variant.
Coding change: c.635G>A on transcript NM_201599.3 (MANE Select); coding-DNA position 635, G replaced by A.
Protein change: p.Gly212Asp; replaces glycine 212 with aspartic acid.
Molecular consequence: missense variant.
Genome position (GRCh38, 1-based): chrX:71,252,621, C>T on the plus strand (G>A on the coding strand, the complement: ZMYM3 is on the minus strand). VCF-style: chrX-71252621-C-T. GRCh37 (hg19) VCF-style: chrX-70472471-C-T.
Other names: c.635G>A, p.Gly212Asp (NM_001171162.1, NM_001171163.1, NM_005096.3); short protein forms G212D.
Identifiers: ClinVar variation 5039370 (VCV005039370.1).

ClinVar aggregate classification (germline): Uncertain significance (1 of 4 stars; one submission).

gnomAD v4.1: 2 of 1,137,970 alleles (0.00018%); highest among the groups gnomAD compares: Middle Eastern, 0.025%; no homozygotes.

Submission:

CeGaT Center for Human Genetics Tuebingen
Classification: Uncertain significance. Last evaluated: 2026-07-01. Review status: criteria provided, single submitter. Criteria: CeGaT Center For Human Genetics Tuebingen Variant Classification Criteria Version 2. Collection method: clinical testing. Allele origin: germline. Affected: yes. Observed: 1 variant allele.
Comment: ZMYM3: PM2, BP4